The following is an entry in ClinVar:

NM_001805.4(CEBPE):c.234C>T (p.Pro78=)

Gene: CEBPE (CCAAT enhancer binding protein epsilon; minus strand). Cytogenetic location: 14q11.2.
Variant type: single nucleotide variant.
Coding change: c.234C>T on transcript NM_001805.4 (MANE Select); coding-DNA position 234, C replaced by T.
Protein change: p.Pro78=; no amino-acid change (proline 78 retained).
Molecular consequence: synonymous variant.
Genome position (GRCh38, 1-based): chr14:23,118,858, G>A on the plus strand (C>T on the coding strand, the complement: CEBPE is on the minus strand). VCF-style: chr14-23118858-G-A. GRCh37 (hg19) VCF-style: chr14-23588067-G-A.
Other names: p.Pro78=.
Identifiers: ClinVar variation 530669 (VCV000530669.15), dbSNP rs114913626, ClinGen allele CA7111256.

ClinVar aggregate classification (germline): Benign/Likely benign. Review status: criteria provided, multiple submitters, no conflicts (2 of 4 stars). 4 submissions from 4 submitters: Benign (3); Likely benign (1). Last evaluated 2026-01-25.

Conditions:
Specific granule deficiency. Identifiers: Orphanet 169142, MedGen C0398593, MONDO:0009506.

Allele frequency attached by ClinVar (database versions not stated): 1000 Genomes Project 0.00839; TOPMed 0.00856; gnomAD exomes 0.00079 and 0.00205; ExAC 0.00277; gnomAD 0.00784 and 0.00837; 1000 Genomes Project 30x 0.00812; ESP Exome Variant Server 0.00923.
gnomAD v4.1: 2,398 of 1,614,018 alleles (0.15%); highest among the groups gnomAD compares: African/African-American, 2.8%; 29 homozygotes.

Submissions (4):

Labcorp Genetics (formerly Invitae), Labcorp
Classification: Benign for Specific granule deficiency. Last evaluated: 2026-01-25. Review status: criteria provided, single submitter. Criteria: Invitae Variant Classification Sherloc (09022015). Collection method: clinical testing. Allele origin: germline.

Women's Health and Genetics/Laboratory Corporation of America, LabCorp
Classification: Likely benign. Last evaluated: 2026-01-22. Review status: criteria provided, single submitter. Criteria: LabCorp Variant Classification Summary - May 2015. Collection method: clinical testing. Allele origin: germline.

Mayo Clinic Laboratories, Mayo Clinic
Classification: Benign. Last evaluated: 2025-09-29. Review status: criteria provided, single submitter. Criteria: ACMG Guidelines, 2015. Collection method: clinical testing. Allele origin: germline. Observed: 7 variant alleles.
Comment: BS1, BS2, BP4, BP7

Breakthrough Genomics
Classification: Benign. Review status: criteria provided, single submitter. Criteria: ACMG Guidelines, 2015. Collection method: not provided. Allele origin: germline. Inheritance: Autosomal recessive inheritance. Affected: yes.